The following is an entry in ClinVar:

NM_005732.4(RAD50):c.2589A>G (p.Leu863=)

Gene: RAD50 (RAD50 double strand break repair protein; plus strand). Cytogenetic location: 5q31.1.
Variant type: single nucleotide variant.
Coding change: c.2589A>G on transcript NM_005732.4 (MANE Select); coding-DNA position 2589, A replaced by G.
Protein change: p.Leu863=; no amino-acid change (leucine 863 retained).
Molecular consequence: synonymous variant.
Genome position (GRCh38, 1-based): chr5:132,604,870, A>G. VCF-style: chr5-132604870-A-G. GRCh37 (hg19) VCF-style: chr5-131940562-A-G.
Identifiers: ClinVar variation 457409 (VCV000457409.19), dbSNP rs1260371384, ClinGen allele CA446364094.

ClinVar aggregate classification (germline): Likely benign. Review status: criteria provided, multiple submitters, no conflicts (2 of 4 stars). 4 submissions from 4 submitters: Likely benign (3). 1 of the submissions does not count toward it. Last evaluated 2023-10-30.

Conditions:
RAD50-related disorder. Also called: RAD50-related condition.
Hereditary cancer-predisposing syndrome. Also called: Neoplastic Syndromes, Hereditary; Tumor predisposition; Hereditary Cancer Syndrome; Hereditary neoplastic syndrome. Identifiers: Orphanet 140162, MedGen C0027672, MeSH D009386, MONDO:0015356.

Allele frequency attached by ClinVar (database versions not stated): gnomAD exomes below 0.00001.

Submissions (4):

Labcorp Genetics (formerly Invitae), Labcorp
Classification: Likely benign for Hereditary cancer-predisposing syndrome. Last evaluated: 2023-10-30. Review status: criteria provided, single submitter. Criteria: Invitae Variant Classification Sherloc (09022015). Collection method: clinical testing. Allele origin: germline.

Quest Diagnostics Nichols Institute San Juan Capistrano
Classification: Likely benign. Last evaluated: 2023-02-27. Review status: criteria provided, single submitter. Criteria: Quest Diagnostics criteria. Collection method: clinical testing. Allele origin: unknown.

Ambry Genetics
Classification: Likely benign for Hereditary cancer-predisposing syndrome. Last evaluated: 2016-12-01. Review status: criteria provided, single submitter. Criteria: Ambry Variant Classification Scheme 2023. Collection method: clinical testing. Allele origin: germline.

PreventionGenetics, part of Exact Sciences
Classification: Likely benign for RAD50-related condition. Last evaluated: 2023-07-18. Review status: no assertion criteria provided. Collection method: clinical testing. Allele origin: germline. Not counted in ClinVar's aggregate classification.
Comment: This variant is classified as likely benign based on ACMG/AMP sequence variant interpretation guidelines (Richards et al. 2015 PMID: 25741868, with internal and published modifications).